The following is an entry in ClinVar:

ClinVar aggregate classification (germline): Likely benign. Review status: criteria provided, multiple submitters, no conflicts (2 of 4 stars). 2 submissions from 2 submitters: Likely benign (2). Last evaluated 2025-10-11.

Conditions:
UBR1-related disorder. Also called: UBR1-related condition.

Allele frequency attached by ClinVar (database versions not stated): ExAC 0.00009; gnomAD 0.00009; ESP Exome Variant Server 0.00015; gnomAD exomes 0.00017; TOPMed 0.00018.
gnomAD v4.1: 262 of 1,608,256 alleles (0.016%); highest among the groups gnomAD compares: Non-Finnish European, 0.02%; no homozygotes.

Submissions (2):

Labcorp Genetics (formerly Invitae), Labcorp
Classification: Likely benign. Last evaluated: 2025-10-11. Review status: criteria provided, single submitter. Criteria: Invitae Variant Classification Sherloc (09022015). Collection method: clinical testing. Allele origin: germline.

PreventionGenetics, part of Exact Sciences
Classification: Likely benign for UBR1-related condition. Last evaluated: 2025-04-02. Review status: criteria provided, single submitter. Criteria: ACMG Guidelines, 2015. Collection method: clinical testing. Allele origin: germline.
Comment: This variant is classified as likely benign based on ACMG/AMP sequence variant interpretation guidelines (Richards et al. 2015 PMID: 25741868, with internal and published modifications).

NM_174916.3(UBR1):c.1094-4A>G

Gene: UBR1 (ubiquitin protein ligase E3 component n-recognin 1; minus strand). Cytogenetic location: 15q15.2.
Variant type: single nucleotide variant.
Coding change: c.1094-4A>G on transcript NM_174916.3 (MANE Select); 4 bases into the intron before coding-DNA position 1094, A replaced by G.
Molecular consequence: intron variant.
Genome position (GRCh38, 1-based): chr15:43,058,433, T>C on the plus strand (A>G on the coding strand, the complement: UBR1 is on the minus strand). VCF-style: chr15-43058433-T-C. GRCh37 (hg19) VCF-style: chr15-43350631-T-C.
Other names: c.1094-4A>G (NM_174916.2).
Identifiers: ClinVar variation 2737682 (VCV002737682.4), dbSNP rs371895935, ClinGen allele CA7518815.